The following is an entry in ClinVar:

NM_006092.4(NOD1):c.2360C>T (p.Thr787Met)

Gene: NOD1 (nucleotide binding oligomerization domain containing 1; minus strand). Cytogenetic location: 7p14.3.
Variant type: single nucleotide variant.
Coding change: c.2360C>T on transcript NM_006092.4 (MANE Select); coding-DNA position 2360, C replaced by T.
Protein change: p.Thr787Met; replaces threonine 787 with methionine.
Molecular consequence: missense variant.
Genome position (GRCh38, 1-based): chr7:30,446,976, G>A on the plus strand (C>T on the coding strand, the complement: NOD1 is on the minus strand). VCF-style: chr7-30446976-G-A. GRCh37 (hg19) VCF-style: chr7-30486592-G-A.
Other names: c.2360C>T, p.Thr787Met (NM_001354849.2); short protein forms T787M.
Identifiers: ClinVar variation 2657368 (VCV002657368.24), dbSNP rs140817833, ClinGen allele CA4204701.

ClinVar aggregate classification (germline): Likely benign (1 of 4 stars; one submission).

Allele frequency attached by ClinVar (database versions not stated): ExAC 0.00087; ESP Exome Variant Server 0.00292; 1000 Genomes Project 30x 0.00297; 1000 Genomes Project 0.00319.
gnomAD v4.1: 935 of 1,613,702 alleles (0.058%); highest among the groups gnomAD compares: African/African-American, 0.97%; 9 homozygotes.

Submission:

CeGaT Center for Human Genetics Tuebingen
Classification: Likely benign. Last evaluated: 2022-12-01. Review status: criteria provided, single submitter. Criteria: CeGaT Center For Human Genetics Tuebingen Variant Classification Criteria Version 2. Collection method: clinical testing. Allele origin: germline. Affected: yes. Observed: 1 variant allele.
Comment: NOD1: BP4, BS2